The following is an entry in ClinVar:

ClinVar aggregate classification (germline): Uncertain significance (1 of 4 stars; one submission).

Conditions:
Spermatogenic failure 39. Identifiers: MedGen C5231438, MONDO:0032845, OMIM 618643.

gnomAD v4.1: 7 of 1,613,860 alleles (0.00043%); highest among the groups gnomAD compares: East Asian, 0.016%; no homozygotes.

Submission:

Juno Genomics, Hangzhou Juno Genomics, Inc
Classification: Uncertain significance for Spermatogenic failure 39. Review status: criteria provided, single submitter. Criteria: ACMG Guidelines, 2015. Collection method: clinical testing. Allele origin: germline.
Comment: Absent from controls (or at extremely low frequency if recessive) in Genome Aggregation Database.;Multiple lines of computational evidence support a deleterious effect on the gene or gene product.

NM_173628.4(DNAH17):c.10905G>A (p.Val3635=)

Gene: DNAH17 (dynein axonemal heavy chain 17; minus strand). Cytogenetic location: 17q25.3.
Variant type: single nucleotide variant.
Coding change: c.10905G>A on transcript NM_173628.4 (MANE Select); coding-DNA position 10905, G replaced by A.
Protein change: p.Val3635=; no amino-acid change (valine 3635 retained).
Molecular consequence: synonymous variant.
Genome position (GRCh38, 1-based): chr17:78,450,389, C>T on the plus strand (G>A on the coding strand, the complement: DNAH17 is on the minus strand). VCF-style: chr17-78450389-C-T. GRCh37 (hg19) VCF-style: chr17-76446471-C-T.
Identifiers: ClinVar variation 5019299 (VCV005019299.2).